The following is an entry in ClinVar:

ClinVar aggregate classification (germline): Uncertain significance (1 of 4 stars; one submission).

Allele frequency attached by ClinVar (database versions not stated): gnomAD exomes below 0.00001.
gnomAD v4.1: 2 of 1,551,252 alleles (0.00013%); highest among the groups gnomAD compares: Non-Finnish European, 0.00017%; no homozygotes.

Submission:

GeneDx
Classification: Uncertain significance. Last evaluated: 2022-10-10. Review status: criteria provided, single submitter. Criteria: GeneDx Variant Classification Process June 2021. Collection method: clinical testing. Allele origin: germline. Affected: yes.
Comment: Not observed at significant frequency in large population cohorts (gnomAD); In silico analysis supports that this missense variant does not alter protein structure/function; Has not been previously published as pathogenic or benign to our knowledge

NM_001134363.3(RBM20):c.2944A>G (p.Arg982Gly)

Gene: RBM20 (RNA binding motif protein 20; plus strand). Cytogenetic location: 10q25.2.
Variant type: single nucleotide variant.
Coding change: c.2944A>G on transcript NM_001134363.3 (MANE Select); coding-DNA position 2944, A replaced by G.
Protein change: p.Arg982Gly; replaces arginine 982 with glycine.
Molecular consequence: missense variant.
Genome position (GRCh38, 1-based): chr10:110,821,563, A>G. VCF-style: chr10-110821563-A-G. GRCh37 (hg19) VCF-style: chr10-112581321-A-G.
Other names: short protein forms R982G.
Identifiers: ClinVar variation 2497954 (VCV002497954.1), dbSNP rs2493494146, ClinGen allele CA378378525.